The following is an entry in ClinVar:

NM_000152.5(GAA):c.2461G>A (p.Gly821Arg)

Gene: GAA (alpha glucosidase; plus strand). Cytogenetic location: 17q25.3.
Variant type: single nucleotide variant.
Coding change: c.2461G>A on transcript NM_000152.5 (MANE Select); coding-DNA position 2461, G replaced by A.
Protein change: p.Gly821Arg; replaces glycine 821 with arginine.
Molecular consequence: missense variant.
Genome position (GRCh38, 1-based): chr17:80,117,729, G>A. VCF-style: chr17-80117729-G-A. GRCh37 (hg19) VCF-style: chr17-78091528-G-A.
Other names: c.2461G>A, p.Gly821Arg (NM_001079803.3, NM_001079804.3, NM_001406741.1 and 1 more transcripts); short protein forms G821R.
Identifiers: ClinVar variation 4876535 (VCV004876535.1).

ClinVar aggregate classification (germline): Uncertain significance (1 of 4 stars; one submission).

Conditions:
Glycogen storage disease, type II (IOPD). Also called: Pompe Disease; CARDIOMEGALIA GLYCOGENICA DIFFUSA; GLYCOGENOSIS, GENERALIZED, CARDIAC FORM; GSD II; POMPE DISEASE, INFANTILE-ONSET; GLYCOGEN STORAGE DISEASE II, INFANTILE-ONSET. Identifiers: Orphanet 365, MedGen C0017921, MONDO:0009290, OMIM 232300.

Submission:

Genomenon, Inc
Classification: Uncertain significance for Glycogen storage disease, type II. Last evaluated: 2026-07-01. Review status: criteria provided, single submitter. Criteria: Genomenon Sequence Variant Interpretation Standards - Updated. Collection method: curation. Allele origin: germline. Affected: no.
Comment: GAA p.Gly821Arg (c.2461G>A ) is a missense variant that changes the amino acid at codon 821 from Glycine to Arginine. This variant has been reported in the published literature (PMID:36310651;40225932). It is absent or not present at a significant frequency in gnomAD. In silico models predict that this variant is possibly or probably damaging. In conclusion, we classify GAA p.Gly821Arg (c.2461G>A ) as a variant of uncertain significance.

Literature cited by the submitters: PubMed 36310651; PubMed 40225932.